The following is an entry in ClinVar:

ClinVar aggregate classification (germline): Likely pathogenic (1 of 4 stars; one submission).

gnomAD v4.1: 17 of 1,613,068 alleles (0.0011%); highest among the groups gnomAD compares: Non-Finnish European, 0.0014%; no homozygotes.

Submission:

Labcorp Genetics (formerly Invitae), Labcorp
Classification: Likely pathogenic. Last evaluated: 2024-01-16. Review status: criteria provided, single submitter. Criteria: Invitae Variant Classification Sherloc (09022015). Collection method: clinical testing. Allele origin: germline.
Comment: This sequence change affects an acceptor splice site in intron 9 of the SKIV2L gene. It is expected to disrupt RNA splicing. Variants that disrupt the donor or acceptor splice site typically lead to a loss of protein function (PMID: 16199547), and loss-of-function variants in SKIV2L are known to be pathogenic (PMID: 22444670). This variant is present in population databases (no rsID available, gnomAD 0.0009%). Disruption of this splice site has been observed in individual(s) with trichohepatoenteric syndrome (PMID: 29527791). Algorithms developed to predict the effect of sequence changes on RNA splicing suggest that this variant may disrupt the consensus splice site. In summary, the currently available evidence indicates that the variant is pathogenic, but additional data are needed to prove that conclusively. Therefore, this variant has been classified as Likely Pathogenic.

Literature cited by the submitters: PubMed 16199547; PubMed 22444670; PubMed 29527791.

NM_006929.5(SKIC2):c.919-1G>A

Genes: SKIC2 (SKI2 subunit of superkiller complex; plus strand), LOC126859653 (CDK7 strongly-dependent group 2 enhancer GRCh37_chr6:31929542-31930741; plus strand). Cytogenetic location: 6p21.33.
Variant type: single nucleotide variant.
Coding change: c.919-1G>A on transcript NM_006929.5 (MANE Select); the canonical splice acceptor site of the intron before coding-DNA position 919, G replaced by A.
Molecular consequence: splice acceptor variant.
Genome position (GRCh38, 1-based): chr6:31,961,908, G>A. VCF-style: chr6-31961908-G-A. GRCh37 (hg19) VCF-style: chr6-31929685-G-A.
Identifiers: ClinVar variation 2910196 (VCV002910196.3), dbSNP rs917019589, ClinGen allele CA136906575.